The following is an entry in ClinVar:

ClinVar aggregate classification (germline): Pathogenic (1 of 4 stars; one submission).

Conditions:
Progressive sclerosing poliodystrophy (MTDPS4A). Also called: Mitochondrial DNA depletion syndrome 4A (Alpers type); ALPERS PROGRESSIVE INFANTILE POLIODYSTROPHY; NEURONAL DEGENERATION OF CHILDHOOD WITH LIVER DISEASE, PROGRESSIVE; Alpers Syndrome; ALPERS DIFFUSE DEGENERATION OF CEREBRAL GRAY MATTER WITH HEPATIC CIRRHOSIS; Alpers-Huttenlocher Syndrome. Identifiers: Orphanet 726, MedGen C0205710, MONDO:0008758, OMIM 203700.

Submission:

Labcorp Genetics (formerly Invitae), Labcorp
Classification: Pathogenic for Progressive sclerosing poliodystrophy. Last evaluated: 2025-04-18. Review status: criteria provided, single submitter. Criteria: Invitae Variant Classification Sherloc (09022015). Collection method: clinical testing. Allele origin: germline.
Comment: This sequence change creates a premature translational stop signal (p.Pro570Leufs*11) in the POLG gene. It is expected to result in an absent or disrupted protein product. Loss-of-function variants in POLG are known to be pathogenic (PMID: 18546365). This variant is present in population databases (no rsID available, gnomAD 0.003%). This variant has not been reported in the literature in individuals affected with POLG-related conditions. For these reasons, this variant has been classified as Pathogenic.

Literature cited by the submitters: PubMed 18546365.

NM_002693.3(POLG):c.1709del (p.Pro570fs)

Gene: POLG (DNA polymerase gamma, catalytic subunit; minus strand). Cytogenetic location: 15q26.1.
Variant type: Deletion.
Coding change: c.1709del on transcript NM_002693.3 (MANE Select); coding-DNA position 1709, one base deleted (C; older notation c.1709delC).
Protein change: p.Pro570fs; shifts the reading frame from proline 570.
Molecular consequence: frameshift variant.
Genome position (GRCh38, 1-based): chr15:89,326,615, G deleted on the plus strand (C on the coding strand, the reverse complement: POLG is on the minus strand); the first of 3 consecutive G bases (chr15:89,326,615-89,326,617); deleting any one gives the same sequence. VCF-style (leftmost placement, unchanged base first): chr15-89326614-AG-A. GRCh37 (hg19) VCF-style: chr15-89869845-AG-A.
Other names: c.1709del, p.Pro570fs (NM_001126131.2); short protein forms P570fs.
Identifiers: ClinVar variation 4717847 (VCV004717847.1).